The following is an entry in ClinVar:

NM_007254.4(PNKP):c.47C>A (p.Pro16His)

Gene: PNKP (polynucleotide kinase 3'-phosphatase; minus strand). Cytogenetic location: 19q13.33.
Variant type: single nucleotide variant.
Coding change: c.47C>A on transcript NM_007254.4 (MANE Select); coding-DNA position 47, C replaced by A.
Protein change: p.Pro16His; replaces proline 16 with histidine.
Molecular consequence: missense variant.
Genome position (GRCh38, 1-based): chr19:49,867,158, G>T on the plus strand (C>A on the coding strand, the complement: PNKP is on the minus strand). VCF-style: chr19-49867158-G-T. GRCh37 (hg19) VCF-style: chr19-50370415-G-T.
Other names: p.P16H:CCT>CAT; short protein forms P16H.
Identifiers: ClinVar variation 206422 (VCV000206422.2), dbSNP rs796052858, ClinGen allele CA316521.

ClinVar aggregate classification (germline): Uncertain significance (1 of 4 stars; one submission).

Submission:

GeneDx
Classification: Uncertain significance. Last evaluated: 2014-06-11. Review status: criteria provided, single submitter. Criteria: GeneDx Variant Classification (06012015). Collection method: clinical testing. Allele origin: germline. Affected: yes.
Comment: p.Pro16His (CCT>CAT): c.47 C>A in exon 2 of the PNKP gene (NM_007254.2) A variant of unknown significance has been identified in the PNKP gene. The P16H variant has not been published as a mutation, nor has it been reported as a benign polymorphism to our knowledge. It was not observed in approximately 6,200 individuals of European and African American ancestry in the NHLBI Exome Sequencing Project, indicating it is not a common benign variant in these populations. The P16H variant is a non-conservative amino acid substitution, which is likely to impact secondary protein structure as these residues differ in polarity, charge, size and/or other properties. Missense mutations in nearby residues (A19V and P20S) have been reported in association with autism spectrum disorder and epileptic encephalopathy, respectively, supporting the functional importance of this region of the protein. However, P16H occurs at a position that is not conserved across species, and in silico analysis predicts this variant likely does not alter the protein structure/function. Therefore, based on the currently available information, it is unclear whether the P16H variant is a pathogenic mutation or a rare benign variant. The variant is found in INFANT-EPI panel(s).